The following is an entry in ClinVar:

NM_002894.3(RBBP8):c.317_318del (p.Glu105_Phe106insTer)

Gene: RBBP8 (RB binding protein 8, endonuclease; plus strand). Cytogenetic location: 18q11.2.
Variant type: Deletion.
Coding change: c.317_318del on transcript NM_002894.3 (MANE Select); coding-DNA positions 317 to 318, 2 bases deleted (TT; older notation c.317_318delTT).
Protein change: p.Glu105_Phe106insTer.
Molecular consequence: nonsense.
Genome position (GRCh38, 1-based): chr18:22,968,874-22,968,875, TT deleted; deleting any 2 consecutive bases within chr18:22,968,873-22,968,875 gives the same sequence; the c. name uses the placement nearest the transcript's 3' end. VCF-style (leftmost placement, unchanged base first): chr18-22968872-GTT-G. GRCh37 (hg19) VCF-style: chr18-20548835-GTT-G.
Other names: c.317_318del, p.Glu105_Phe106insTer (NM_203291.2, NM_203292.2).
Identifiers: ClinVar variation 1033553 (VCV001033553.1), dbSNP rs1913849770, ClinGen allele CA2289905949.
Genomic context (GRCh38, chr18:22,968,872, plus strand): 5'-AGCAGGCTTATGTGATCGCTGTGCAGTAACTGAAGAACATATGCGGAAAAAACAGCAAGA[GTT>G]TGAAAATATCCGGCAGCAGAATCTTAAACTTATTACAGAACTTAGTGAGTTTCCTTTCTT-3'

ClinVar aggregate classification (germline): Pathogenic (1 of 4 stars; one submission).

Conditions:
Jawad syndrome (JWDS). Also called: MICROCEPHALY WITH IMPAIRED INTELLECTUAL DEVELOPMENT AND DIGITAL ANOMALIES; KELLY SYNDROME. Identifiers: Orphanet 313795, MedGen C0796063, MONDO:0009622, OMIM 251255.

Submission:

Baylor Genetics
Classification: Pathogenic for Jawad syndrome. Last evaluated: 2018-08-08. Review status: criteria provided, single submitter. Criteria: ACMG Guidelines, 2015. Collection method: clinical testing. Allele origin: maternal. Affected: yes.
Comment: This variant was determined to be pathogenic according to ACMG Guidelines, 2015 [PMID:25741868].